The following is an entry in ClinVar:

ClinVar aggregate classification (germline): Uncertain significance. Review status: criteria provided, multiple submitters, no conflicts (2 of 4 stars). 2 submissions from 2 submitters: Uncertain significance (2). Last evaluated 2021-11-23.

Conditions:
Hereditary cancer-predisposing syndrome. Also called: Neoplastic Syndromes, Hereditary; Hereditary Cancer Syndrome; Hereditary neoplastic syndrome; Tumor predisposition. Identifiers: Orphanet 140162, MedGen C0027672, MeSH D009386, MONDO:0015356.
Gastrointestinal stromal tumor. Also called: Gastrointestinal stromal tumor, somatic; Gastrointestinal stroma tumor. Identifiers: Orphanet 44890, MedGen C0238198, MeSH D046152, MONDO:0011719, OMIM 606764, HP:0100723.

Allele frequency attached by ClinVar (database versions not stated): gnomAD exomes below 0.00001 and 0.00001; ExAC 0.00001.
gnomAD v4.1: 2 of 1,613,580 alleles (0.00012%); highest among the groups gnomAD compares: Admixed American, 0.0033%; no homozygotes.

Submissions (2):

Ambry Genetics
Classification: Uncertain significance for Hereditary cancer-predisposing syndrome. Last evaluated: 2021-11-23. Review status: criteria provided, single submitter. Criteria: Ambry Variant Classification Scheme 2023. Collection method: clinical testing. Allele origin: germline.
Comment: The p.S729A variant (also known as c.2185T>G), located in coding exon 15 of the KIT gene, results from a T to G substitution at nucleotide position 2185. The serine at codon 729 is replaced by alanine, an amino acid with similar properties. This amino acid position is conserved. In addition, this alteration is predicted to be tolerated by in silico analysis. Since supporting evidence is limited at this time, the clinical significance of this alteration remains unclear.

Labcorp Genetics (formerly Invitae), Labcorp
Classification: Uncertain significance for Gastrointestinal stromal tumor. Last evaluated: 2020-09-17. Review status: criteria provided, single submitter. Criteria: Invitae Variant Classification Sherloc (09022015). Collection method: clinical testing. Allele origin: germline.
Comment: In summary, the available evidence is currently insufficient to determine the role of this variant in disease. Therefore, it has been classified as a Variant of Uncertain Significance. Algorithms developed to predict the effect of missense changes on protein structure and function are either unavailable or do not agree on the potential impact of this missense change (SIFT: "Tolerated"; PolyPhen-2: "Possibly Damaging"; Align-GVGD: "Class C0"). This variant has not been reported in the literature in individuals with KIT-related conditions. This variant is present in population databases (rs773953640, ExAC 0.009%). This sequence change replaces serine with alanine at codon 729 of the KIT protein (p.Ser729Ala). The serine residue is highly conserved and there is a moderate physicochemical difference between serine and alanine.

NM_000222.3(KIT):c.2185T>G (p.Ser729Ala)

Gene: KIT (KIT proto-oncogene, receptor tyrosine kinase; plus strand). Cytogenetic location: 4q12.
Variant type: single nucleotide variant.
Coding change: c.2185T>G on transcript NM_000222.3 (MANE Select); coding-DNA position 2185, T replaced by G.
Protein change: p.Ser729Ala; replaces serine 729 with alanine.
Molecular consequence: missense variant.
Genome position (GRCh38, 1-based): chr4:54,731,371, T>G. VCF-style: chr4-54731371-T-G. GRCh37 (hg19) VCF-style: chr4-55597537-T-G.
Other names: c.2173T>G, p.Ser725Ala (NM_001093772.2, NM_001385292.1); c.2188T>G, p.Ser730Ala (NM_001385284.1); c.2182T>G, p.Ser728Ala (NM_001385285.1); c.2170T>G, p.Ser724Ala (NM_001385286.1); c.2176T>G, p.Ser726Ala (NM_001385288.1); c.2185T>G, p.Ser729Ala (NM_001385290.1); short protein forms S724A, S725A, S726A, S728A, S729A, S730A.
Identifiers: ClinVar variation 1013725 (VCV001013725.11), dbSNP rs773953640, ClinGen allele CA2923675.